The following is an entry in ClinVar:

ClinVar aggregate classification (germline): Uncertain significance (1 of 4 stars; one submission).

Allele frequency attached by ClinVar (database versions not stated): gnomAD exomes below 0.00001; TOPMed 0.00001.
gnomAD v4.1: 1 of 1,613,808 alleles (0.000062%); highest among the groups gnomAD compares: Non-Finnish European, 0.000085%; no homozygotes.

Submission:

Labcorp Genetics (formerly Invitae), Labcorp
Classification: Uncertain significance. Last evaluated: 2024-03-01. Review status: criteria provided, single submitter. Criteria: Invitae Variant Classification Sherloc (09022015). Collection method: clinical testing. Allele origin: germline.
Comment: This sequence change replaces proline, which is neutral and non-polar, with arginine, which is basic and polar, at codon 647 of the COL4A1 protein (p.Pro647Arg). This variant is not present in population databases (gnomAD no frequency). This variant has not been reported in the literature in individuals affected with COL4A1-related conditions. An algorithm developed to predict the effect of missense changes on protein structure and function (PolyPhen-2) suggests that this variant is likely to be tolerated. In summary, the available evidence is currently insufficient to determine the role of this variant in disease. Therefore, it has been classified as a Variant of Uncertain Significance.

NM_001845.6(COL4A1):c.1940C>G (p.Pro647Arg)

Gene: COL4A1 (collagen type IV alpha 1 chain; minus strand). Cytogenetic location: 13q34.
Variant type: single nucleotide variant.
Coding change: c.1940C>G on transcript NM_001845.6 (MANE Select); coding-DNA position 1940, C replaced by G.
Protein change: p.Pro647Arg; replaces proline 647 with arginine.
Molecular consequence: missense variant.
Genome position (GRCh38, 1-based): chr13:110,183,234, G>C on the plus strand (C>G on the coding strand, the complement: COL4A1 is on the minus strand). VCF-style: chr13-110183234-G-C. GRCh37 (hg19) VCF-style: chr13-110835581-G-C.
Other names: short protein forms P647R.
Identifiers: ClinVar variation 2789008 (VCV002789008.3), dbSNP rs1442213057, ClinGen allele CA388722412.